The following is an entry in ClinVar:

NM_001278669.2(NFATC1):c.105C>T (p.Gly35=)

Gene: NFATC1 (nuclear factor of activated T cells 1; plus strand). Cytogenetic location: 18q23.
Variant type: single nucleotide variant.
Coding change: c.105C>T on transcript NM_001278669.2 (MANE Select); coding-DNA position 105, C replaced by T.
Protein change: p.Gly35=; no amino-acid change (glycine 35 retained).
Molecular consequence: synonymous variant. On other transcripts: 5 prime UTR variant (1).
Genome position (GRCh38, 1-based): chr18:79,396,329, C>T. VCF-style: chr18-79396329-C-T. GRCh37 (hg19) VCF-style: chr18-77156329-C-T.
Other names: c.105C>T, p.Gly35= (NM_001278670.2, NM_006162.5, NM_172390.3); c.-213C>T (NM_172388.3); c.105C>T (NM_001278669.1).
Identifiers: ClinVar variation 712225 (VCV000712225.7), dbSNP rs374280400, ClinGen allele CA9008657.
Genomic context (GRCh38, chr18:79,396,329, plus strand): 5'-CCCTGCGGCTGCGGTCTTCGGGAGAGGAGAAACTTTGGGGCCCGCGCCGCGCGCCGGCGG[C>T]ACCATGAAGTCAGCGGAGGAAGGTAAGCCCCGCGCGGCCTCCGCCCCCGGACCCCTGCGC-3'
Protein context (NP_001265598.1, residues 25-45): ETLGPAPRAG[Gly35=]TMKSAEEEHY

ClinVar aggregate classification (germline): Benign. Review status: criteria provided, multiple submitters, no conflicts (2 of 4 stars). 3 submissions from 3 submitters: Benign (2). 1 of the submissions does not count toward it. Last evaluated 2019-12-31.

Conditions:
NFATC1-related disorder. Also called: NFATC1-related condition.

Allele frequency attached by ClinVar (database versions not stated): gnomAD exomes 0.00069; ExAC 0.00235; ESP Exome Variant Server 0.00480; gnomAD 0.00528 and 0.00563; 1000 Genomes Project 30x 0.00578; TOPMed 0.00597; 1000 Genomes Project 0.00599.
gnomAD v4.1: 1,393 of 1,405,794 alleles (0.099%); highest among the groups gnomAD compares: African/African-American, 1.9%; 10 homozygotes.

Submissions (3):

Labcorp Genetics (formerly Invitae), Labcorp
Classification: Benign. Last evaluated: 2019-12-31. Review status: criteria provided, single submitter. Criteria: Invitae Variant Classification Sherloc (09022015). Collection method: clinical testing. Allele origin: germline.

Breakthrough Genomics
Classification: Benign. Review status: criteria provided, single submitter. Criteria: ACMG Guidelines, 2015. Collection method: not provided. Allele origin: germline. Inheritance: Unknown mechanism. Affected: yes.

PreventionGenetics, part of Exact Sciences
Classification: Benign for NFATC1-related condition. Last evaluated: 2019-09-24. Review status: no assertion criteria provided. Collection method: clinical testing. Allele origin: germline. Not counted in ClinVar's aggregate classification.
Comment: This variant is classified as benign based on ACMG/AMP sequence variant interpretation guidelines (Richards et al. 2015 PMID: 25741868, with internal and published modifications).